The following is an entry in ClinVar:

ClinVar aggregate classification (germline): Uncertain significance (1 of 4 stars; one submission).

Submission:

GeneDx
Classification: Uncertain significance. Last evaluated: 2026-01-23. Review status: criteria provided, single submitter. Criteria: GeneDx Variant Classification Process June 2021. Collection method: clinical testing. Allele origin: germline.
Comment: Not observed at significant frequency in large population cohorts (gnomAD); In silico analysis suggests that this missense variant does not alter protein structure/function; Has not been previously published as pathogenic or benign to our knowledge

NM_003491.4(NAA10):c.688G>A (p.Ala230Thr)

Gene: NAA10 (N-alpha-acetyltransferase 10, NatA catalytic subunit; minus strand). Cytogenetic location: Xq28.
Variant type: single nucleotide variant.
Coding change: c.688G>A on transcript NM_003491.4 (MANE Select); coding-DNA position 688, G replaced by A.
Protein change: p.Ala230Thr; replaces alanine 230 with threonine.
Molecular consequence: missense variant.
Genome position (GRCh38, 1-based): chrX:153,930,007, C>T on the plus strand (G>A on the coding strand, the complement: NAA10 is on the minus strand). VCF-style: chrX-153930007-C-T. GRCh37 (hg19) VCF-style: chrX-153195460-C-T.
Other names: c.643G>A, p.Ala215Thr (NM_001256119.2); c.670G>A, p.Ala224Thr (NM_001256120.2); short protein forms A215T, A224T, A230T.
Identifiers: ClinVar variation 4888103 (VCV004888103.1).
Genomic context (GRCh38, chrX:153,930,007, plus strand): 5'-TTGTGAAAGCTCGTGGGGTGAGGAGGGGATGGGGCAGGCTCTAGGAGGCTGAGTCGGAGG[C>T]CTCTGAGCTGTCCTTGACATCTGTGCTCTCTGTGGTCTCGCTGACCTCGCTGAGGTCCTT-3'
Protein context (NP_003482.1, residues 220-235): ESTDVKDSSE[Ala230Thr]SDSAS